The following is an entry in ClinVar:

ClinVar aggregate classification (germline): Uncertain significance (1 of 4 stars; one submission).

Conditions:
Arrhythmogenic right ventricular dysplasia 10. Also called: Arrhythmogenic Right Ventricular Dysplasia/Cardiomyopathy10; Arrhythmogenic right ventricular dysplasia/cardiomyopathy, type 10; ARRHYTHMOGENIC RIGHT VENTRICULAR DYSPLASIA, FAMILIAL, 10. Identifiers: MedGen C1857777, MONDO:0012434, OMIM 610193.

Allele frequency attached by ClinVar (database versions not stated): gnomAD exomes below 0.00001.
gnomAD v4.1: 1 of 1,614,120 alleles (0.000062%); highest among the groups gnomAD compares: South Asian, 0.0011%; no homozygotes.

Submission:

Labcorp Genetics (formerly Invitae), Labcorp
Classification: Uncertain significance for Arrhythmogenic right ventricular dysplasia 10. Last evaluated: 2021-06-05. Review status: criteria provided, single submitter. Criteria: Invitae Variant Classification Sherloc (09022015). Collection method: clinical testing. Allele origin: germline.
Comment: This sequence change replaces glutamic acid with lysine at codon 693 of the DSG2 protein (p.Glu693Lys). The glutamic acid residue is moderately conserved and there is a small physicochemical difference between glutamic acid and lysine. This variant is not present in population databases (ExAC no frequency). This variant has not been reported in the literature in individuals with DSG2-related conditions. Algorithms developed to predict the effect of missense changes on protein structure and function (SIFT, PolyPhen-2, Align-GVGD) all suggest that this variant is likely to be tolerated, but these predictions have not been confirmed by published functional studies and their clinical significance is uncertain. In summary, the available evidence is currently insufficient to determine the role of this variant in disease. Therefore, it has been classified as a Variant of Uncertain Significance.

NM_001943.5(DSG2):c.2077G>A (p.Glu693Lys)

Genes: DSG2 (desmoglein 2; plus strand), DSG2-AS1 (DSG2 antisense RNA 1; minus strand). Cytogenetic location: 18q12.1.
Variant type: single nucleotide variant.
Coding change: c.2077G>A on transcript NM_001943.5 (MANE Select); coding-DNA position 2077, G replaced by A.
Protein change: p.Glu693Lys; replaces glutamic acid 693 with lysine.
Molecular consequence: missense variant.
Genome position (GRCh38, 1-based): chr18:31,542,595, G>A. VCF-style: chr18-31542595-G-A. GRCh37 (hg19) VCF-style: chr18-29122558-G-A.
Other names: short protein forms E693K.
Identifiers: ClinVar variation 1420577 (VCV001420577.8), dbSNP rs2144353065, ClinGen allele CA402141477.
Genomic context (GRCh38, chr18:31,542,595, plus strand): 5'-CTGCCAGTGGATCAAGGGGGCAGTCTAGTAGGAAGAAATGGAGTAGGAGGTATGGCCAAG[G>A]AAGCCACGATGAAAGGAAGTAGCTCTGCTTCCATTGTCAAAGGGCAACATGAGATGTCCG-3'
Protein context (NP_001934.2, residues 683-703): GRNGVGGMAK[Glu693Lys]ATMKGSSSAS